The following is an entry in ClinVar:

ClinVar aggregate classification (germline): Uncertain significance (1 of 4 stars; one submission).

Conditions:
Hereditary cancer-predisposing syndrome. Also called: Neoplastic Syndromes, Hereditary; Hereditary Cancer Syndrome; Hereditary neoplastic syndrome; Tumor predisposition. Identifiers: Orphanet 140162, MedGen C0027672, MeSH D009386, MONDO:0015356.

Submission:

Ambry Genetics
Classification: Uncertain significance for Hereditary cancer-predisposing syndrome. Last evaluated: 2023-04-18. Review status: criteria provided, single submitter. Criteria: Ambry Variant Classification Scheme 2023. Collection method: clinical testing. Allele origin: germline.
Comment: The p.Q655L variant (also known as c.1964A>T), located in coding exon 13 of the TSC1 gene, results from an A to T substitution at nucleotide position 1964. The glutamine at codon 655 is replaced by leucine, an amino acid with dissimilar properties. This amino acid position is conserved. In addition, the in silico prediction for this alteration is inconclusive. Since supporting evidence is limited at this time, the clinical significance of this alteration remains unclear.

NM_000368.5(TSC1):c.1964A>T (p.Gln655Leu)

Gene: TSC1 (TSC complex subunit 1; minus strand). Cytogenetic location: 9q34.13.
Variant type: single nucleotide variant.
Coding change: c.1964A>T on transcript NM_000368.5 (MANE Select); coding-DNA position 1964, A replaced by T.
Protein change: p.Gln655Leu; replaces glutamine 655 with leucine.
Molecular consequence: missense variant. On other transcripts: non-coding transcript variant (5).
Genome position (GRCh38, 1-based): chr9:132,905,614, T>A on the plus strand (A>T on the coding strand, the complement: TSC1 is on the minus strand). VCF-style: chr9-132905614-T-A. GRCh37 (hg19) VCF-style: chr9-135781001-T-A.
Other names: c.1961A>T, p.Gln654Leu (NM_001162426.2, NM_001406597.1, NM_001406598.1 and 6 more transcripts); c.1811A>T, p.Gln604Leu (NM_001162427.2, NM_001406610.1); c.1601A>T, p.Gln534Leu (NM_001362177.2, NM_001406614.1, NM_001406615.1 and 5 more transcripts); c.1964A>T, p.Gln655Leu (NM_001406592.1, NM_001406593.1, NM_001406594.1 and 7 more transcripts); c.1808A>T, p.Gln603Leu (NM_001406611.1, NM_001406612.1, NM_001406613.1); c.1598A>T, p.Gln533Leu (NM_001406620.1, NM_001406621.1, NM_001406622.1 and 2 more transcripts); c.1013A>T, p.Gln338Leu (NM_001406626.1); c.1010A>T, p.Gln337Leu (NM_001406627.1, NM_001406628.1); and 1 more; short protein forms Q337L, Q338L, Q533L, Q534L, Q655L, Q604L, Q654L, Q304L.
Identifiers: ClinVar variation 2562869 (VCV002562869.2), dbSNP rs2131809290, ClinGen allele CA375362361.